The following is an entry in ClinVar:

NM_005560.6(LAMA5):c.4774C>G (p.Leu1592Val)

Gene: LAMA5 (laminin subunit alpha 5; minus strand). Cytogenetic location: 20q13.33.
Variant type: single nucleotide variant.
Coding change: c.4774C>G on transcript NM_005560.6 (MANE Select); coding-DNA position 4774, C replaced by G.
Protein change: p.Leu1592Val; replaces leucine 1592 with valine.
Molecular consequence: missense variant.
Genome position (GRCh38, 1-based): chr20:62,327,889, G>C on the plus strand (C>G on the coding strand, the complement: LAMA5 is on the minus strand). VCF-style: chr20-62327889-G-C. GRCh37 (hg19) VCF-style: chr20-60902945-G-C.
Other names: short protein forms L1592V.
Identifiers: ClinVar variation 1924233 (VCV001924233.5), dbSNP rs780789130, ClinGen allele CA9942487.
Genomic context (GRCh38, chr20:62,327,889, plus strand): 5'-GAGGGAGAGGCCAGATCTGGGCCCAGCCCTCACTCACCTTACAGTAGCACTGCCCTGTGA[G>C]GGGGTCACACACGCCAGGCGCAGTGCCCGCCTCGTGACAGTCACAGGGGCGGCAGCGGGG-3'
Protein context (NP_005551.3, residues 1582-1602): AGTAPGVCDP[Leu1592Val]TGQCYCKENV

ClinVar aggregate classification (germline): Uncertain significance (1 of 4 stars; one submission).

Allele frequency attached by ClinVar (database versions not stated): ExAC 0.00003; gnomAD exomes 0.00004; TOPMed 0.00005; gnomAD 0.00007.
gnomAD v4.1: 81 of 1,610,872 alleles (0.005%); highest among the groups gnomAD compares: Admixed American, 0.0017%; 1 homozygote.

Submission:

Labcorp Genetics (formerly Invitae), Labcorp
Classification: Uncertain significance. Last evaluated: 2025-04-17. Review status: criteria provided, single submitter. Criteria: Invitae Variant Classification Sherloc (09022015). Collection method: clinical testing. Allele origin: germline.
Comment: This sequence change replaces leucine, which is neutral and non-polar, with valine, which is neutral and non-polar, at codon 1592 of the LAMA5 protein (p.Leu1592Val). The frequency data for this variant in the population databases is considered unreliable, as metrics indicate poor data quality at this position in the gnomAD database. This variant has not been reported in the literature in individuals affected with LAMA5-related conditions. ClinVar contains an entry for this variant (Variation ID: 1924233). An algorithm developed to predict the effect of missense changes on protein structure and function outputs the following: PolyPhen-2: "Benign". The valine amino acid residue is found in multiple mammalian species, which suggests that this missense change does not adversely affect protein function. In summary, the available evidence is currently insufficient to determine the role of this variant in disease. Therefore, it has been classified as a Variant of Uncertain Significance.